The following is an entry in ClinVar:

NM_000719.7(CACNA1C):c.2934C>T (p.Ser978=)

Gene: CACNA1C (calcium voltage-gated channel subunit alpha1 C; plus strand). Cytogenetic location: 12p13.33.
Variant type: single nucleotide variant.
Coding change: c.2934C>T on transcript NM_000719.7 (MANE Select); coding-DNA position 2934, C replaced by T.
Protein change: p.Ser978=; no amino-acid change (serine 978 retained).
Molecular consequence: synonymous variant.
Genome position (GRCh38, 1-based): chr12:2,601,934, C>T. VCF-style: chr12-2601934-C-T. GRCh37 (hg19) VCF-style: chr12-2711100-C-T.
Other names: c.2994C>T, p.Ser998= (NM_001129827.2, NM_001129832.2, NM_199460.4); c.2934C>T, p.Ser978= (NM_001129829.2, NM_001129830.3, NM_001129831.2 and 15 more transcripts); c.2925C>T, p.Ser975= (NM_001129844.2).
Identifiers: ClinVar variation 2881455 (VCV002881455.4), dbSNP rs2517603068, ClinGen allele CA477891061.

ClinVar aggregate classification (germline): Conflicting classifications of pathogenicity. Review status: criteria provided, conflicting classifications (1 of 4 stars). 2 submissions from 2 submitters: Uncertain significance (1); Likely benign (1). Last evaluated 2026-03-16.

Conditions:
Cardiovascular phenotype. Identifiers: MedGen CN230736.
Long QT syndrome (LQTS). Identifiers: MedGen C0023976, MeSH D008133, MONDO:0002442. Disease mechanism: loss of function. Inheritance: Various modes of inheritance.

Allele frequency attached by ClinVar (database versions not stated): gnomAD exomes below 0.00001.
gnomAD v4.1: 1 of 1,613,074 alleles (0.000062%); highest among the groups gnomAD compares: Non-Finnish European, 0.000085%; no homozygotes.

Submissions (2):

Ambry Genetics
Classification: Uncertain significance for Cardiovascular phenotype. Last evaluated: 2026-03-16. Review status: criteria provided, single submitter. Criteria: Ambry Variant Classification Scheme 2023. Collection method: clinical testing. Allele origin: germline.
Comment: The c.2934C>T variant (also known as p.S978S), located in coding exon 22 of the CACNA1C gene, results from a C to T substitution at nucleotide position 2934. This nucleotide substitution does not change the amino acid at codon 978. This nucleotide position is not well conserved in available vertebrate species. In silico splice site analysis predicts that this alteration will result in the creation or strengthening of a novel splice donor site. Based on the available evidence, the clinical significance of this variant remains unclear.

Labcorp Genetics (formerly Invitae), Labcorp
Classification: Likely benign for Long QT syndrome. Last evaluated: 2024-07-29. Review status: criteria provided, single submitter. Criteria: Invitae Variant Classification Sherloc (09022015). Collection method: clinical testing. Allele origin: germline.